The following is an entry in ClinVar:

NM_001267550.2(TTN):c.73563C>A (p.Gly24521=)

Genes: TTN (titin; minus strand), TTN-AS1 (TTN antisense RNA 1; plus strand). Cytogenetic location: 2q31.2.
Variant type: single nucleotide variant.
Coding change: c.73563C>A on transcript NM_001267550.2 (MANE Select); coding-DNA position 73563, C replaced by A.
Protein change: p.Gly24521=; no amino-acid change (glycine 24521 retained).
Molecular consequence: synonymous variant.
Genome position (GRCh38, 1-based): chr2:178,572,569, G>T on the plus strand (C>A on the coding strand, the complement: TTN is on the minus strand). VCF-style: chr2-178572569-G-T. GRCh37 (hg19) VCF-style: chr2-179437296-G-T.
Other names: c.68640C>A, p.Gly22880= (NM_001256850.1); c.46368C>A, p.Gly15456= (NM_003319.4); c.65859C>A, p.Gly21953= (NM_133378.4); c.46743C>A, p.Gly15581= (NM_133432.3); c.46944C>A, p.Gly15648= (NM_133437.4).
Identifiers: ClinVar variation 697483 (VCV000697483.11), dbSNP rs756809007, ClinGen allele CA430256135.

ClinVar aggregate classification (germline): Likely benign. Review status: criteria provided, multiple submitters, no conflicts (2 of 4 stars). 4 submissions from 4 submitters: Likely benign (4). Last evaluated 2026-06-01.

Conditions:
Cardiomyopathy (CMYO). Also called: Cardiomyopathies. Identifiers: Orphanet 167848, MedGen C0878544, MONDO:0004994, HP:0001638. Inheritance: Various modes of inheritance.
TTN-related disorder. Also called: TTN-related disorders; TTN-related condition; TTN-related disease.
Dilated cardiomyopathy 1G (CMD1G). Identifiers: Orphanet 154, MedGen C1858763, MONDO:0011400, OMIM 604145.
Autosomal recessive limb-girdle muscular dystrophy type 2J (LGMDR10). Also called: MUSCULAR DYSTROPHY, LIMB-GIRDLE, AUTOSOMAL RECESSIVE 10; Limb-girdle muscular dystrophy, type 2J. Identifiers: Orphanet 140922, MedGen C1837342, MONDO:0012127, OMIM 608807.
Cardiovascular phenotype. Identifiers: MedGen CN230736.

gnomAD v4.1: 2 of 1,613,310 alleles (0.00012%); highest among the groups gnomAD compares: Non-Finnish European, 0.00017%; no homozygotes.

Submissions (4):

Ambry Genetics
Classification: Likely benign for Cardiovascular phenotype. Last evaluated: 2026-06-01. Review status: criteria provided, single submitter. Criteria: Ambry Variant Classification Scheme 2023. Collection method: clinical testing. Allele origin: germline.

PreventionGenetics, part of Exact Sciences
Classification: Likely benign for TTN-related condition. Last evaluated: 2026-01-16. Review status: criteria provided, single submitter. Criteria: ACMG Guidelines, 2015. Collection method: clinical testing. Allele origin: germline.
Comment: This variant is classified as likely benign based on ACMG/AMP sequence variant interpretation guidelines (Richards et al. 2015 PMID: 25741868, with internal and published modifications).

Labcorp Genetics (formerly Invitae), Labcorp
Classification: Likely benign for Dilated cardiomyopathy 1G; Autosomal recessive limb-girdle muscular dystrophy type 2J. Last evaluated: 2025-10-14. Review status: criteria provided, single submitter. Criteria: Invitae Variant Classification Sherloc (09022015). Collection method: clinical testing. Allele origin: germline.

CHEO Genetics Diagnostic Laboratory, Children's Hospital of Eastern Ontario
Classification: Likely benign for Cardiomyopathy. Last evaluated: 2022-05-11. Review status: criteria provided, single submitter. Criteria: ACMG Guidelines, 2015. Collection method: clinical testing. Allele origin: germline.